The following is an entry in ClinVar:

ClinVar aggregate classification (germline): Uncertain significance (1 of 4 stars; one submission).

Conditions:
Inborn genetic diseases. Identifiers: MedGen C0950123, MeSH D030342.

Submission:

Ambry Genetics
Classification: Uncertain significance for Inborn genetic diseases. Last evaluated: 2024-09-16. Review status: criteria provided, single submitter. Criteria: Ambry Variant Classification Scheme 2023. Collection method: clinical testing. Allele origin: germline.
Comment: The p.A2016S variant (also known as c.6046G>T), located in coding exon 41 of the LRRK2 gene, results from a G to T substitution at nucleotide position 6046. The alanine at codon 2016 is replaced by serine, an amino acid with similar properties. This amino acid position is conserved. In addition, the in silico prediction for this alteration is inconclusive. Based on the available evidence, the clinical significance of this variant remains unclear.

NM_198578.4(LRRK2):c.6046G>T (p.Ala2016Ser)

Gene: LRRK2 (leucine rich repeat kinase 2; plus strand). Cytogenetic location: 12q12.
Variant type: single nucleotide variant.
Coding change: c.6046G>T on transcript NM_198578.4 (MANE Select); coding-DNA position 6046, G replaced by T.
Protein change: p.Ala2016Ser; replaces alanine 2016 with serine.
Molecular consequence: missense variant.
Genome position (GRCh38, 1-based): chr12:40,340,391, G>T. VCF-style: chr12-40340391-G-T. GRCh37 (hg19) VCF-style: chr12-40734193-G-T.
Other names: short protein forms A2016S.
Identifiers: ClinVar variation 3540683 (VCV003540683.1).